The following is an entry in ClinVar:

NM_001035.3(RYR2):c.13516G>C (p.Ala4506Pro)

Gene: RYR2 (ryanodine receptor 2; plus strand). Cytogenetic location: 1q43.
Variant type: single nucleotide variant.
Coding change: c.13516G>C on transcript NM_001035.3 (MANE Select); coding-DNA position 13516, G replaced by C.
Protein change: p.Ala4506Pro; replaces alanine 4506 with proline.
Molecular consequence: missense variant.
Genome position (GRCh38, 1-based): chr1:237,791,468, G>C. VCF-style: chr1-237791468-G-C. GRCh37 (hg19) VCF-style: chr1-237954768-G-C.
Other names: p.A4506P:GCC>CCC; c.13516G>C, p.Ala4506Pro (LRG_402t1); short protein forms A4506P.
Identifiers: ClinVar variation 201402 (VCV000201402.2), dbSNP rs794728829, ClinGen allele CA007930.

ClinVar aggregate classification (germline): Uncertain significance (1 of 4 stars; one submission).

Submission:

GeneDx
Classification: Uncertain significance. Last evaluated: 2017-05-30. Review status: criteria provided, single submitter. Criteria: GeneDx Variant Classification (06012015). Collection method: clinical testing. Allele origin: germline. Affected: yes.
Comment: The Ala4506Pro variant in the RYR2 gene has not been previously reported as a pathogenic variant or as a benign polymorphism, to our knowledge. Ala4506Pro results in a semi-conservative amino acid substitution change, resulting in the gain of a sterically constrained Proline at a position that is conserved throughout evolution. In addition, Ala4506Pro is located in a hot spot within the channel region of the RYR2 gene (Medeiros-Domingo A et al., 2009). Variants in nearby codons (Met4504Ile, Ala4510Thr) have been reported in association with polymorphic ventricular tachycardia, further supporting the functional importance of this region of the protein. Furthermore, in silico analysis predicts this variant to be damaging to the protein structure/function (Adzhubei IA et al., 2010; Schwarz JM et al., 2011). The Ala4506Pro variant was not observed in 538 control alleles from mixed ethnic backgrounds tested at GeneDx, indicating it is not a common benign variant. Therefore, based on the currently available information, it is unclear whether this variant is a pathogenic variant or a rare benign variant.